The following is an entry in ClinVar:

NM_000545.8(HNF1A):c.35T>A (p.Leu12His)

Gene: HNF1A (HNF1 homeobox A; plus strand). Cytogenetic location: 12q24.31.
Variant type: single nucleotide variant.
Coding change: c.35T>A on transcript NM_000545.8 (MANE Select); coding-DNA position 35, T replaced by A.
Protein change: p.Leu12His; replaces leucine 12 with histidine.
Molecular consequence: missense variant.
Genome position (GRCh38, 1-based): chr12:120,978,803, T>A. VCF-style: chr12-120978803-T-A. GRCh37 (hg19) VCF-style: chr12-121416606-T-A.
Other names: NM_001306179.2:c.35T>A; c.35T>A, p.Leu12His (NM_001306179.2); short protein forms L12H.
Identifiers: ClinVar variation 1675049 (VCV001675049.4), dbSNP rs2135819422, ClinGen allele CA386952411.

ClinVar aggregate classification (germline): Uncertain significance (3 of 4 stars; one submission).

Conditions:
Monogenic diabetes. Identifiers: Orphanet 183625, MedGen C3888631, MONDO:0015967.

Submission:

ClinGen Monogenic Diabetes Variant Curation Expert Panel
Classification: Uncertain significance for Monogenic diabetes. Last evaluated: 2025-06-09. Review status: reviewed by expert panel. Criteria: ClinGen Diabetes ACMG Specifications HNF1A V2.1.0. Collection method: curation. Allele origin: germline. Inheritance: Autosomal dominant inheritance.
Comment: The c.34T>A variant in the HNF1 homeobox A gene, HNF1A, causes an amino acid change of leucine to histidine at codon 12 (p.(Leu12His)) of NM_000545.8. This variant is absent from gnomAD v2.1.1 (PM2_Supporting).  This variant was identified in three unrelated individuals with non-autoimmune and non-absolute/near-absolute insulin-deficient diabetes; however, PS4_Moderate cannot be applied because this number is below the ClinGen MDEP threshold (PMID:24905847, PMID:10078571, PMID:9287053). Additionally, this variant is located within the dimerization domain of HNF1A, which is defined as critical for the protein’s function by the ClinGen MDEP (PM1_Supporting).  This variant is predicted to be deleterious by computational evidence, with a REVEL score of 0.944, which is greater than the MDEP threshold of 0.70 (PP3). Another missense variant, c.34C>T (p.Leu12Phe), has been classified as likely pathogenic by the ClinGen MDEP (PM5_Supporting). Lastly, functional studies demonstrated the p.Leu12His protein has DNA binding below 40% of wild type, indicating that this variant impacts protein function (PS3_Supporting; PMID: 10581189, 10491332, 10966642). In summary, this variant meets the criteria to be classified as a variant of uncertain significance for monogenic diabetes. ACMG/AMP criteria applied, as specified by the ClinGen MDEP (specification version 2.1.0, approved 8/11/2023): PM2_Supporting, PM1_Supporting, PP3, PM5_Supporting, PS3_Supporting.

Literature cited by the submitters: PubMed 24905847; PubMed 10078571; PubMed 9287053; PubMed 10581189; PubMed 10491332; PubMed 10966642.